The following is an entry in ClinVar:

NM_005026.5(PIK3CD):c.371-5C>T

Gene: PIK3CD (phosphatidylinositol-4,5-bisphosphate 3-kinase catalytic subunit delta; plus strand). Cytogenetic location: 1p36.22.
Variant type: single nucleotide variant.
Coding change: c.371-5C>T on transcript NM_005026.5 (MANE Select); 5 bases into the intron before coding-DNA position 371, C replaced by T.
Molecular consequence: intron variant.
Genome position (GRCh38, 1-based): chr1:9,715,844, C>T. VCF-style: chr1-9715844-C-T. GRCh37 (hg19) VCF-style: chr1-9775902-C-T.
Other names: c.371-5C>T (LRG_191t1, NM_001350234.2, NM_001350235.1).
Identifiers: ClinVar variation 541089 (VCV000541089.15), dbSNP rs149617980, ClinGen allele CA576863.
Genomic context (GRCh38, chr1:9,715,844, plus strand): 5'-TGGGCCGTGTGGCCGGGCTGGCCCTGCCTGCCCCACCCGCTGACCCAGCCCTCCCCACCC[C>T]GCAGGCCTCCACGAGTTTGACTCCTTGTGCGACCCAGAAGTGAACGACTTTCGCGCCAAG-3'

ClinVar aggregate classification (germline): Benign/Likely benign. Review status: criteria provided, multiple submitters, no conflicts (2 of 4 stars). 4 submissions from 4 submitters: Benign (2); Likely benign (2). Last evaluated 2026-01-30.

Conditions:
PIK3CD-related disorder. Also called: PIK3CD-related condition.
Immunodeficiency 14 (IMD14A). Also called: IMMUNODEFICIENCY 14A WITH LYMPHOPROLIFERATION, AUTOSOMAL DOMINANT; Activated PI3K Delta Syndrome Type 1 (APDS1); p110-DELTA-ACTIVATING MUTATION CAUSING SENESCENT T CELLS, LYMPHADENOPATHY, AND IMMUNODEFICIENCY; ACTIVATED PI3K-DELTA SYNDROME 1. Identifiers: Orphanet 397596, Orphanet 693661, MedGen C5907821, MONDO:0014222, OMIM 615513.

Allele frequency attached by ClinVar (database versions not stated): 1000 Genomes Project 0.00060; gnomAD 0.00064; TOPMed 0.00045; 1000 Genomes Project 30x 0.00047; ESP Exome Variant Server 0.00031.

Submissions (4):

PreventionGenetics, part of Exact Sciences
Classification: Likely benign for PIK3CD-related condition. Last evaluated: 2026-01-30. Review status: criteria provided, single submitter. Criteria: ACMG Guidelines, 2015. Collection method: clinical testing. Allele origin: germline.
Comment: This variant is classified as likely benign based on ACMG/AMP sequence variant interpretation guidelines (Richards et al. 2015 PMID: 25741868, with internal and published modifications).

Labcorp Genetics (formerly Invitae), Labcorp
Classification: Benign for Activated PI3K-delta syndrome. Last evaluated: 2026-01-13. Review status: criteria provided, single submitter. Criteria: Invitae Variant Classification Sherloc (09022015). Collection method: clinical testing. Allele origin: germline.

Laboratory of Genetics, Children's Clinical University Hospital Latvia
Classification: Benign. Last evaluated: 2025-02-16. Review status: criteria provided, single submitter. Criteria: ACMG Guidelines, 2015. Collection method: clinical testing. Allele origin: germline. Affected: yes.

Blueprint Genetics
Classification: Likely benign. Last evaluated: 2024-10-10. Review status: criteria provided, single submitter. Criteria: ACMG Guidelines, 2015. Collection method: clinical testing. Allele origin: germline.